The following is an entry in ClinVar:

NM_001370259.2(MEN1):c.1287G>T (p.Thr429=)

Gene: MEN1 (menin 1; minus strand). Cytogenetic location: 11q13.1.
Variant type: single nucleotide variant.
Coding change: c.1287G>T on transcript NM_001370259.2 (MANE Select); coding-DNA position 1287, G replaced by T.
Protein change: p.Thr429=; no amino-acid change (threonine 429 retained).
Molecular consequence: synonymous variant.
Genome position (GRCh38, 1-based): chr11:64,805,097, C>A on the plus strand (G>T on the coding strand, the complement: MEN1 is on the minus strand). VCF-style: chr11-64805097-C-A. GRCh37 (hg19) VCF-style: chr11-64572569-C-A.
Other names: c.1302G>T, p.Thr434= (NM_000244.4, NM_130800.3, NM_130801.3 and 3 more transcripts); c.1413G>T, p.Thr471= (NM_001370251.2); c.1287G>T, p.Thr429= (NM_001370260.2, NM_001370261.2, NM_130799.3); c.1182G>T, p.Thr394= (NM_001370262.2, NM_001370263.2).
Identifiers: ClinVar variation 241800 (VCV000241800.16), dbSNP rs376598079, ClinGen allele CA060358.
Genomic context (GRCh38, chr11:64,805,097, plus strand): 5'-TCCCTCAAAACGGCCTAGGGACTGCACAAGAAAGGTGGCCCAGCCCACATGCAGCACAGG[C>A]GTGGGACTGCCCTCCTCCCATTTGCAGATGCCGTCGTAGAATCGCAGCAGGTGGGCGAAG-3'
Protein context (NP_001357188.2, residues 419-439): GICKWEEGSP[Thr429=]PVLHVGWATF

ClinVar aggregate classification (germline): Benign/Likely benign. Review status: criteria provided, multiple submitters, no conflicts (2 of 4 stars). 4 submissions from 4 submitters: Benign (1); Likely benign (3). Last evaluated 2026-06-22.

Conditions:
MEN1-related disorder. Also called: MEN1-related condition.
Hereditary cancer-predisposing syndrome. Also called: Neoplastic Syndromes, Hereditary; Hereditary neoplastic syndrome; Hereditary Cancer Syndrome; Tumor predisposition. Identifiers: Orphanet 140162, MedGen C0027672, MeSH D009386, MONDO:0015356.
Multiple endocrine neoplasia, type 1 (MEN1). Also called: MEN I; WERMER SYNDROME; Endocrine adenomatosis multiple; MEN 1; MEA I. Identifiers: Orphanet 652, MedGen C0025267, MeSH D018761, MONDO:0007540, OMIM 131100.

gnomAD v4.1: 10 of 1,614,160 alleles (0.00062%); highest among the groups gnomAD compares: East Asian, 0.022%; no homozygotes.

Submissions (4):

PreventionGenetics, part of Exact Sciences
Classification: Likely benign for MEN1-related condition. Last evaluated: 2026-06-22. Review status: criteria provided, single submitter. Criteria: ACMG Guidelines, 2015. Collection method: clinical testing. Allele origin: germline.
Comment: This variant is classified as likely benign based on ACMG/AMP sequence variant interpretation guidelines (Richards et al. 2015 PMID: 25741868, with internal and published modifications).

Labcorp Genetics (formerly Invitae), Labcorp
Classification: Likely benign for Multiple endocrine neoplasia, type 1. Last evaluated: 2025-10-11. Review status: criteria provided, single submitter. Criteria: Invitae Variant Classification Sherloc (09022015). Collection method: clinical testing. Allele origin: germline.

Myriad Genetics, Inc.
Classification: Benign for Multiple endocrine neoplasia, type 1. Last evaluated: 2024-11-05. Review status: criteria provided, single submitter. Criteria: Myriad Autosomal Dominant, Autosomal Recessive and X-Linked Classification Criteria (2023). Collection method: clinical testing. Allele origin: unknown.
Comment: This variant is considered benign. This variant is a silent/synonymous amino acid change and it is not expected to impact splicing.

Ambry Genetics
Classification: Likely benign for Hereditary cancer-predisposing syndrome. Last evaluated: 2020-09-16. Review status: criteria provided, single submitter. Criteria: Ambry Variant Classification Scheme 2023. Collection method: clinical testing. Allele origin: germline.